The following is an entry in ClinVar:

ClinVar aggregate classification (germline): Pathogenic. Review status: criteria provided, multiple submitters, no conflicts (2 of 4 stars). 4 submissions from 4 submitters: Pathogenic (4). Last evaluated 2024-06-24.

Conditions:
RS1-related disorder. Also called: RS1-related condition.
Retinal dystrophy. Also called: Inherited retinal dystrophy. Identifiers: Orphanet 71862, MedGen C0854723, MeSH D058499, MONDO:0019118, HP:0000556.

Submissions (4):

GeneDx
Classification: Pathogenic. Last evaluated: 2024-06-24. Review status: criteria provided, single submitter. Criteria: GeneDx Variant Classification Process June 2021. Collection method: clinical testing. Allele origin: germline. Affected: yes.
Comment: Initiation codon variant in a gene for which loss of function is a known mechanism of disease; Not observed at significant frequency in large population cohorts (gnomAD); This variant is associated with the following publications: (PMID: 26823236)

Labcorp Genetics (formerly Invitae), Labcorp
Classification: Pathogenic. Last evaluated: 2024-02-05. Review status: criteria provided, single submitter. Criteria: Invitae Variant Classification Sherloc (09022015). Collection method: clinical testing. Allele origin: germline.
Comment: This sequence change affects the initiator methionine of the RS1 mRNA. The next in-frame methionine is located at codon 148. This variant is not present in population databases (gnomAD no frequency). Disruption of the initiator codon has been observed in individual(s) with X-linked retinoschisis (PMID: 26823236). It has also been observed to segregate with disease in related individuals. ClinVar contains an entry for this variant (Variation ID: 959905). For these reasons, this variant has been classified as Pathogenic.

Institute of Human Genetics, Univ. Regensburg, Univ. Regensburg
Classification: Pathogenic for Retinal dystrophy. Last evaluated: 2023-01-01. Review status: criteria provided, single submitter. Criteria: ACMG Guidelines, 2015. Collection method: clinical testing. Allele origin: germline. Affected: yes.

Blueprint Genetics
Classification: Pathogenic for RS1-related disorders. Last evaluated: 2019-03-21. Review status: criteria provided, single submitter. Criteria: ACMG Guidelines, 2015. Collection method: clinical testing. Allele origin: germline. Affected: yes. Observed: 2 variant alleles.

Literature cited by the submitters: PubMed 26823236 (cited by Labcorp Genetics (formerly Invitae), Labcorp and Institute of Human Genetics, Univ. Regensburg, Univ. Regensburg).

NM_000330.4(RS1):c.3G>A (p.Met1Ile)

Gene: RS1 (retinoschisin 1; minus strand). Cytogenetic location: Xp22.13.
Variant type: single nucleotide variant.
Coding change: c.3G>A on transcript NM_000330.4 (MANE Select); coding-DNA position 3, G replaced by A.
Protein change: p.Met1Ile; changes the start codon (methionine 1).
Molecular consequence: missense variant, initiator codon variant.
Genome position (GRCh38, 1-based): chrX:18,672,066, C>T on the plus strand (G>A on the coding strand, the complement: RS1 is on the minus strand). VCF-style: chrX-18672066-C-T. GRCh37 (hg19) VCF-style: chrX-18690186-C-T.
Other names: short protein forms M1I.
Identifiers: ClinVar variation 959905 (VCV000959905.15), dbSNP rs1928500368, ClinGen allele CA412379321.